The following is an entry in ClinVar:

NM_000539.3(RHO):c.1033G>A (p.Val345Met)

Gene: RHO (rhodopsin; plus strand). Cytogenetic location: 3q22.1.
Variant type: single nucleotide variant.
Coding change: c.1033G>A on transcript NM_000539.3 (MANE Select); coding-DNA position 1033, G replaced by A.
Protein change: p.Val345Met; replaces valine 345 with methionine.
Molecular consequence: missense variant.
Genome position (GRCh38, 1-based): chr3:129,533,704, G>A. VCF-style: chr3-129533704-G-A. GRCh37 (hg19) VCF-style: chr3-129252547-G-A.
Other names: short protein forms V345M.
Identifiers: ClinVar variation 13056 (VCV000013056.10), dbSNP rs104893795, ClinGen allele CA256697.

ClinVar aggregate classification (germline): Pathogenic/Likely pathogenic. Review status: criteria provided, multiple submitters, no conflicts (2 of 4 stars). 4 submissions from 4 submitters: Pathogenic (2); Likely pathogenic (1). 1 of the submissions does not count toward it. Last evaluated 2023-12-13.

Conditions:
Retinal dystrophy. Also called: Inherited retinal dystrophy. Identifiers: Orphanet 71862, MedGen C0854723, MeSH D058499, MONDO:0019118, HP:0000556.
Retinitis pigmentosa 4 (RP4). Also called: RETINITIS PIGMENTOSA, RHODOPSIN-RELATED. Identifiers: Orphanet 791, MedGen C3151001, MONDO:0013395, OMIM 613731.

Submissions (4):

Labcorp Genetics (formerly Invitae), Labcorp
Classification: Pathogenic. Last evaluated: 2023-12-13. Review status: criteria provided, single submitter. Criteria: Invitae Variant Classification Sherloc (09022015). Collection method: clinical testing. Allele origin: germline.
Comment: This sequence change replaces valine, which is neutral and non-polar, with methionine, which is neutral and non-polar, at codon 345 of the RHO protein (p.Val345Met). This variant is not present in population databases (gnomAD no frequency). This missense change has been observed in individuals with autosomal dominant retinitis pigmentosa (adRP) (PMID: 1808803, 1833777, 17488458, 28076437). It has also been observed to segregate with disease in related individuals. ClinVar contains an entry for this variant (Variation ID: 13056). Advanced modeling of protein sequence and biophysical properties (such as structural, functional, and spatial information, amino acid conservation, physicochemical variation, residue mobility, and thermodynamic stability) performed at Invitae indicates that this missense variant is expected to disrupt RHO protein function with a positive predictive value of 95%. Experimental studies are conflicting or provide insufficient evidence to determine the effect of this variant on RHO function (PMID: 8253795, 9724753). This variant disrupts the p.Val345 amino acid residue in RHO. Other variant(s) that disrupt this residue have been determined to be pathogenic (PMID: 24938718). This suggests that this residue is clinically significant, and that variants that disrupt this residue are likely to be disease-causing. For these reasons, this variant has been classified as Pathogenic.

Institute of Human Genetics, Univ. Regensburg, Univ. Regensburg
Classification: Pathogenic for Retinal dystrophy. Last evaluated: 2022-01-01. Review status: criteria provided, single submitter. Criteria: ACMG Guidelines, 2015. Collection method: clinical testing. Allele origin: germline. Affected: yes.

Centre for Genomic Medicine, Manchester, Central Manchester University Hospitals
Classification: Likely pathogenic for Retinitis pigmentosa 4. Last evaluated: 2020-09-01. Review status: criteria provided, single submitter. Criteria: ACMG Guidelines, 2015. Collection method: clinical testing. Allele origin: germline. Affected: yes. Observed: 4 heterozygotes.

OMIM
Classification: Pathogenic for RETINITIS PIGMENTOSA 4. Last evaluated: 2001-08-01. Review status: no assertion criteria provided. Collection method: literature only. Allele origin: germline. Not counted in ClinVar's aggregate classification.

Literature cited by the submitters: PubMed 1808803 (cited by Labcorp Genetics (formerly Invitae), Labcorp); PubMed 1833777 (cited by 3 submitters); PubMed 17488458 (cited by Labcorp Genetics (formerly Invitae), Labcorp); PubMed 28076437 (cited by Labcorp Genetics (formerly Invitae), Labcorp); PubMed 8253795 (cited by Labcorp Genetics (formerly Invitae), Labcorp); PubMed 9724753 (cited by Labcorp Genetics (formerly Invitae), Labcorp); PubMed 24938718 (cited by Labcorp Genetics (formerly Invitae), Labcorp); PubMed 11910130 (cited by Institute of Human Genetics, Univ. Regensburg, Univ. Regensburg and OMIM); PubMed 18175313 (cited by Institute of Human Genetics, Univ. Regensburg, Univ. Regensburg); PubMed 21094163 (cited by Institute of Human Genetics, Univ. Regensburg, Univ. Regensburg); PubMed 30977563 (cited by Institute of Human Genetics, Univ. Regensburg, Univ. Regensburg); PubMed 33576794 (cited by Institute of Human Genetics, Univ. Regensburg, Univ. Regensburg); PubMed 8406457 (cited by OMIM).